The following is an entry in ClinVar:

ClinVar aggregate classification (germline): Likely benign (1 of 4 stars; one submission).

Submission:

CeGaT Center for Human Genetics Tuebingen
Classification: Likely benign. Last evaluated: 2024-07-01. Review status: criteria provided, single submitter. Criteria: CeGaT Center For Human Genetics Tuebingen Variant Classification Criteria Version 2. Collection method: clinical testing. Allele origin: germline. Affected: yes. Observed: 1 variant allele.
Comment: TOGARAM1: PM4:Supporting, BS2

NM_001308120.2(TOGARAM1):c.1783TCT[1] (p.Ser596del)

Gene: TOGARAM1 (TOG array regulator of axonemal microtubules 1; plus strand). Cytogenetic location: 14q21.2.
Variant type: Microsatellite.
Coding change: c.1783TCT[1] on transcript NM_001308120.2 (MANE Select); one copy of the 3-base unit TCT starting at c.1783; the reference has two copies in a row; one copy, 3 bases deleted.
Protein change: p.Ser596del; deletes serine 596.
Molecular consequence: inframe deletion. On other transcripts: non-coding transcript variant (1).
Genome position (GRCh38, 1-based): chr14:44,964,207-44,964,209, TCT deleted; deleting any 3 consecutive bases within chr14:44,964,204-44,964,209 gives the same sequence; the position shown is the placement nearest the transcript's 3' end. VCF-style (leftmost placement, unchanged base first): chr14-44964203-ATCT-A. GRCh37 (hg19) VCF-style: chr14-45433406-ATCT-A.
Other names: c.1783TCT[1], p.Ser596del (NM_015091.4); short protein forms S596del.
Identifiers: ClinVar variation 3257027 (VCV003257027.17).
Genomic context (GRCh38, chr14:44,964,203, plus strand): 5'-TAGGAAAACCTTACCAAGGCTCACAGAGCAGGGATTTGTGGAATATGCAGTACTGATGCC[ATCT>A]TCTGCCGGGGGTAGGTCAAACCATTTGGCACATGGAGCAGATACGGACTGGCTTTTGGCT-3'